The following is an entry in ClinVar:

ClinVar aggregate classification (germline): Uncertain significance. Review status: criteria provided, multiple submitters, no conflicts (2 of 4 stars). 3 submissions from 3 submitters: Uncertain significance (3). Last evaluated 2025-11-18.

Conditions:
Bardet-Biedl syndrome 1 (BBS1). Identifiers: MedGen C2936862, MONDO:0008854, OMIM 209900. Disease mechanism: loss of function.
Bardet-Biedl syndrome (BBS). Identifiers: Orphanet 110, MedGen C0752166, MONDO:0015229.
BBS1-related disorder. Also called: BBS1-related condition.

Allele frequency attached by ClinVar (database versions not stated): gnomAD exomes below 0.00001; ExAC 0.00001; TOPMed 0.00001.
gnomAD v4.1: 5 of 1,601,074 alleles (0.00031%); highest among the groups gnomAD compares: Admixed American, 0.0034%; no homozygotes.

Submissions (3):

PreventionGenetics, part of Exact Sciences
Classification: Uncertain significance for BBS1-related condition. Last evaluated: 2025-11-18. Review status: criteria provided, single submitter. Criteria: ACMG Guidelines, 2015. Collection method: clinical testing. Allele origin: germline.
Comment: The BBS1 c.1468G>A variant is predicted to result in the amino acid substitution p.Ala490Thr. To our knowledge, this variant has not been reported in the literature. This variant is reported in 0.0059% of alleles in individuals of Latino descent in gnomAD. At this time, the clinical significance of this variant is uncertain due to the absence of conclusive functional and genetic evidence.

Fulgent Genetics
Classification: Uncertain significance for Bardet-Biedl syndrome 1. Last evaluated: 2024-05-10. Review status: criteria provided, single submitter. Criteria: ACMG Guidelines, 2015. Collection method: clinical testing. Allele origin: germline.

Labcorp Genetics (formerly Invitae), Labcorp
Classification: Uncertain significance for Bardet-Biedl syndrome. Last evaluated: 2022-07-19. Review status: criteria provided, single submitter. Criteria: Invitae Variant Classification Sherloc (09022015). Collection method: clinical testing. Allele origin: germline.
Comment: This sequence change replaces alanine, which is neutral and non-polar, with threonine, which is neutral and polar, at codon 490 of the BBS1 protein (p.Ala490Thr). This variant is present in population databases (rs748627604, gnomAD 0.006%). This variant has not been reported in the literature in individuals affected with BBS1-related conditions. Algorithms developed to predict the effect of missense changes on protein structure and function are either unavailable or do not agree on the potential impact of this missense change (SIFT: "Deleterious"; PolyPhen-2: "Possibly Damaging"; Align-GVGD: "Class C0"). In summary, the available evidence is currently insufficient to determine the role of this variant in disease. Therefore, it has been classified as a Variant of Uncertain Significance.

NM_024649.5(BBS1):c.1468G>A (p.Ala490Thr)

Genes: BBS1 (Bardet-Biedl syndrome 1; plus strand), ZDHHC24 (zDHHC palmitoyltransferase 24; minus strand). Cytogenetic location: 11q13.2.
Variant type: single nucleotide variant.
Coding change: c.1468G>A on transcript NM_024649.5 (MANE Select); coding-DNA position 1468, G replaced by A.
Protein change: p.Ala490Thr; replaces alanine 490 with threonine.
Molecular consequence: missense variant. On other transcripts: intron variant (1).
Genome position (GRCh38, 1-based): chr11:66,529,947, G>A. VCF-style: chr11-66529947-G-A. GRCh37 (hg19) VCF-style: chr11-66297418-G-A.
Other names: c.560-459C>T (NM_001348571.2); short protein forms A490T.
Identifiers: ClinVar variation 1983795 (VCV001983795.4), dbSNP rs748627604, ClinGen allele CA6123776.
Genomic context (GRCh38, chr11:66,529,947, plus strand): 5'-GCCCTCGAGTCCAGCCTGAGCCCCCTGTCCACGACAGCCCGAGAGCCACTCAAGCTGCAC[G>A]CCGTGGTGAGCATCTGGGTGAGGGCAGAGTCAGGGCCAGAGGGGCAGAGGCCAGGATGCG-3'
Protein context (NP_078925.3, residues 480-500): TTAREPLKLH[Ala490Thr]VVQGLGPTFK